The following is an entry in ClinVar:

ClinVar aggregate classification (germline): Likely benign (1 of 4 stars; one submission).

Allele frequency attached by ClinVar (database versions not stated): ExAC 0.00002.

Submission:

CeGaT Center for Human Genetics Tuebingen
Classification: Likely benign. Last evaluated: 2022-11-01. Review status: criteria provided, single submitter. Criteria: CeGaT Center For Human Genetics Tuebingen Variant Classification Criteria Version 2. Collection method: clinical testing. Allele origin: germline. Affected: yes. Observed: 1 variant allele.
Comment: MEAK7: BP4, BP7

NM_020947.4(MEAK7):c.1065C>T (p.Ile355=)

Gene: MEAK7 (MTOR associated protein MEAK7; minus strand). Cytogenetic location: 16q24.1.
Variant type: single nucleotide variant.
Coding change: c.1065C>T on transcript NM_020947.4 (MANE Select); coding-DNA position 1065, C replaced by T.
Protein change: p.Ile355=; no amino-acid change (isoleucine 355 retained).
Molecular consequence: synonymous variant.
Genome position (GRCh38, 1-based): chr16:84,482,604, G>A on the plus strand (C>T on the coding strand, the complement: MEAK7 is on the minus strand). VCF-style: chr16-84482604-G-A. GRCh37 (hg19) VCF-style: chr16-84516210-G-A.
Identifiers: ClinVar variation 2646925 (VCV002646925.24), dbSNP rs777880050, ClinGen allele CA8209017.